The following is an entry in ClinVar:

ClinVar aggregate classification (germline): Likely pathogenic. Review status: criteria provided, multiple submitters, no conflicts (2 of 4 stars). 2 submissions from 2 submitters: Likely pathogenic (2). Last evaluated 2025-06-10.

Conditions:
Congenital microcephaly - severe encephalopathy - progressive cerebral atrophy syndrome. Also called: ASNS DEFICIENCY; Asparagine synthetase deficiency. Identifiers: Orphanet 391376, MedGen C3809971, MONDO:0014258, OMIM 615574.

Submissions (2):

Myriad Genetics, Inc.
Classification: Likely pathogenic for Congenital microcephaly - severe encephalopathy - progressive cerebral atrophy syndrome. Last evaluated: 2025-06-10. Review status: criteria provided, single submitter. Criteria: Myriad Autosomal Dominant, Autosomal Recessive and X-Linked Classification Criteria (2023). Collection method: clinical testing. Allele origin: unknown.
Comment: NM_001673.4(ASNS):c.1031-6_1041del17 is a variant in a canonical splice site classified as likely pathogenic in the context of asparagine synthetase deficiency. c.1031-6_1041del17 has not been observed in cases with relevant disease. Relevant functional assessments of this variant are not available in the literature. c.1031-6_1041del17 has not been observed in referenced population frequency databases. In summary, NM_001673.4(ASNS):c.1031-6_1041del17 is a variant in a canonical splice site in a gene where loss of function is a known mechanism of disease and is predicted to disrupt protein function. Please note: this variant was assessed in the context of healthy population screening.

Juno Genomics, Hangzhou Juno Genomics, Inc
Classification: Likely pathogenic for Congenital microcephaly - severe encephalopathy - progressive cerebral atrophy syndrome. Review status: criteria provided, single submitter. Criteria: ACMG Guidelines, 2015. Collection method: clinical testing. Allele origin: germline.
Comment: Absent from controls (or at extremely low frequency if recessive) in Genome Aggregation Database.;Null variant in a gene where loss of function (LOF) is a known mechanism of disease.

NM_001673.5(ASNS):c.1031-6_1041del

Genes: ASNS (asparagine synthetase (glutamine-hydrolyzing); minus strand), CZ1P-ASNS (CZ1P-ASNS readthrough; minus strand). Cytogenetic location: 7q21.3.
Variant type: Deletion.
Coding change: c.1031-6_1041del on transcript NM_001673.5 (MANE Select); 6 bases into the intron before coding-DNA position 1031 through coding-DNA position 1041, 17 bases deleted (TTTAAGGTATGTATTTA).
Molecular consequence: splice acceptor variant.
Genome position (GRCh38, 1-based): chr7:97,855,449-97,855,465, TAAATACATACCTTAAA deleted on the plus strand (TTTAAGGTATGTATTTA on the coding strand, the reverse complement: ASNS is on the minus strand); deleting any 17 consecutive bases within chr7:97,855,449-97,855,466 gives the same sequence; the c. name uses the placement nearest the transcript's 3' end. VCF-style (leftmost placement, unchanged base first): chr7-97855448-TTAAATACATACCTTAAA-T. GRCh37 (hg19) VCF-style: chr7-97484760-TTAAATACATACCTTAAA-T.
Other names: c.1031-6_1041del (NM_001352496.2, NM_183356.4, NM_133436.3); c.782-6_792del (NM_001178076.2, NM_001178077.1); c.968-6_978del (NM_001178075.2).
Identifiers: ClinVar variation 4081773 (VCV004081773.3).
Genomic context (GRCh38, chr7:97,855,448, plus strand): 5'-CTGATCCTTCTCCAGAGAAGATCACCACGCTATCTGTGTTCTTCCGAATATACTTGGAAA[TTAAATACATACCTTAAA>T]TGAGAGAGAGAAATTAACTTTAATGTCAACATAACCTTCCACCAAAAATGCCTTTGATTT-3'